The following is an entry in ClinVar:

NM_006005.3(WFS1):c.168C>T (p.Asp56=)

Gene: WFS1 (wolframin ER transmembrane glycoprotein; plus strand). Cytogenetic location: 4p16.1.
Variant type: single nucleotide variant.
Coding change: c.168C>T on transcript NM_006005.3 (MANE Select); coding-DNA position 168, C replaced by T.
Protein change: p.Asp56=; no amino-acid change (aspartic acid 56 retained).
Molecular consequence: synonymous variant.
Genome position (GRCh38, 1-based): chr4:6,277,623, C>T. VCF-style: chr4-6277623-C-T. GRCh37 (hg19) VCF-style: chr4-6279350-C-T.
Other names: c.168C>T, p.Asp56= (NM_001145853.1).
Identifiers: ClinVar variation 349306 (VCV000349306.15), dbSNP rs112598170, ClinGen allele CA2838809.

ClinVar aggregate classification (germline): Conflicting classifications of pathogenicity. Review status: criteria provided, conflicting classifications (1 of 4 stars). 5 submissions from 4 submitters: Uncertain significance (2); Benign (1); Likely benign (2). Last evaluated 2025-10-14.

Conditions:
Wolfram syndrome 1 (WFS1). Identifiers: Orphanet 3463, MedGen C4551693, MONDO:0009101, OMIM 222300.
WFS1-Related Spectrum Disorders.
Autosomal dominant nonsyndromic hearing loss 6 (LFSNHL). Also called: DEAFNESS, AUTOSOMAL DOMINANT 6; DEAFNESS, AUTOSOMAL DOMINANT 14; DEAFNESS, AUTOSOMAL DOMINANT 38; Autosomal dominant nonsyndromic deafness 6. Identifiers: Orphanet 90635, MedGen C1833021, MONDO:0010963, OMIM 600965.

Allele frequency attached by ClinVar (database versions not stated): ExAC below 0.00001; gnomAD 0.00004; gnomAD exomes 0.00004; TOPMed 0.00004; 1000 Genomes Project 30x 0.00031.
gnomAD v4.1: 52 of 1,572,496 alleles (0.0033%); highest among the groups gnomAD compares: Middle Eastern, 0.017%; no homozygotes.

Submissions (5):

Labcorp Genetics (formerly Invitae), Labcorp
Classification: Likely benign. Last evaluated: 2025-10-14. Review status: criteria provided, single submitter. Criteria: Invitae Variant Classification Sherloc (09022015). Collection method: clinical testing. Allele origin: germline.

Blueprint Genetics
Classification: Likely benign. Last evaluated: 2024-03-21. Review status: criteria provided, single submitter. Criteria: ACMG Guidelines, 2015. Collection method: clinical testing. Allele origin: germline.

Illumina Laboratory Services, Illumina
Classification: Uncertain significance for WFS1-Related Spectrum Disorders. Last evaluated: 2018-01-13. Review status: criteria provided, single submitter. Criteria: ICSL Variant Classification Criteria 13 December 2019. Collection method: clinical testing. Allele origin: germline.

Illumina Laboratory Services, Illumina
Classification: Uncertain significance for Autosomal dominant nonsyndromic hearing loss 6. Last evaluated: 2018-01-13. Review status: criteria provided, single submitter. Criteria: ICSL Variant Classification Criteria 13 December 2019. Collection method: clinical testing. Allele origin: germline.

Clinical Genomics, Uppaluri K&H Personalized Medicine Clinic
Classification: Benign for Wolfram syndrome 1. Review status: criteria provided, single submitter. Criteria: K & H Uppaluri Personalized Medicine Clinic Variant Classification & Assertion Criteria_Updated V.1. Collection method: research. Allele origin: unknown. Inheritance: Autosomal recessive inheritance.
Comment: Potent mutations in WFS1 gene are associated with Wolfram's syndrome, an autosomal recessive condition, which cause diabetes mellitus, diabetes insipidus, deafness and optic atrophy. However no sufficient evidence is found to ascertain the role of this particular variant rs112598170 in Wolfram's syndrome yet.

Literature cited by the submitters: PubMed 20738327 (cited by Clinical Genomics, Uppaluri K&H Personalized Medicine Clinic); PubMed 33879153 (cited by Clinical Genomics, Uppaluri K&H Personalized Medicine Clinic); PubMed 12955714 (cited by Clinical Genomics, Uppaluri K&H Personalized Medicine Clinic); PubMed 18060660 (cited by Clinical Genomics, Uppaluri K&H Personalized Medicine Clinic); PubMed 20301750 (cited by Clinical Genomics, Uppaluri K&H Personalized Medicine Clinic); PubMed 17603484 (cited by Clinical Genomics, Uppaluri K&H Personalized Medicine Clinic).